The following is an entry in ClinVar:

NM_005219.5(DIAPH1):c.3686T>A (p.Val1229Asp)

Gene: DIAPH1 (diaphanous related formin 1; minus strand). Cytogenetic location: 5q31.3.
Variant type: single nucleotide variant.
Coding change: c.3686T>A on transcript NM_005219.5 (MANE Select); coding-DNA position 3686, T replaced by A.
Protein change: p.Val1229Asp; replaces valine 1229 with aspartic acid.
Molecular consequence: missense variant.
Genome position (GRCh38, 1-based): chr5:141,516,984, A>T on the plus strand (T>A on the coding strand, the complement: DIAPH1 is on the minus strand). VCF-style: chr5-141516984-A-T. GRCh37 (hg19) VCF-style: chr5-140896551-A-T.
Other names: c.3659T>A, p.Val1220Asp (NM_001079812.3); c.3739T>A, p.Ser1247Thr (NM_001314007.2); short protein forms S1247T, V1220D, V1229D.
Identifiers: ClinVar variation 3762656 (VCV003762656.2).
Genomic context (GRCh38, chr5:141,516,984, plus strand): 5'-TTGGCAGGAACAGCAGCCATGGCATCATCCTTGGTCAGCTCCGAAGCTAGCAGAGATGTG[A>T]CTGCACACCCGGCCTTCCTGTTGGCTGCAAGAGAAGACGAGAGATTCTGTCTATGGAAGG-3'
Protein context (NP_005210.3, residues 1219-1239): RQANRKAGCA[Val1229Asp]TSLLASELTK

ClinVar aggregate classification (germline): Uncertain significance (1 of 4 stars; one submission).

Conditions:
Progressive microcephaly-seizures-cortical blindness-developmental delay syndrome. Also called: Seizures, cortical blindness, and microcephaly syndrome. Identifiers: Orphanet 477814, MedGen C5567650, MONDO:0014714, OMIM 616632.
Autosomal dominant nonsyndromic hearing loss 1. Also called: DEAFNESS, AUTOSOMAL DOMINANT 1, WITH OR WITHOUT THROMBOCYTOPENIA; KONIGSMARK SYNDROME. Identifiers: Orphanet 90635, MedGen C1852282, MONDO:0007424, OMIM 124900.

gnomAD v4.1: 10 of 1,614,212 alleles (0.00062%); highest among the groups gnomAD compares: South Asian, 0.011%; no homozygotes.

Submission:

Labcorp Genetics (formerly Invitae), Labcorp
Classification: Uncertain significance for Progressive microcephaly-seizures-cortical blindness-developmental delay syndrome; Autosomal dominant nonsyndromic hearing loss 1. Last evaluated: 2025-01-18. Review status: criteria provided, single submitter. Criteria: Invitae Variant Classification Sherloc (09022015). Collection method: clinical testing. Allele origin: germline.
Comment: This sequence change replaces valine, which is neutral and non-polar, with aspartic acid, which is acidic and polar, at codon 1229 of the DIAPH1 protein (p.Val1229Asp). This variant is present in population databases (rs766204786, gnomAD 0.02%). This variant has not been reported in the literature in individuals affected with DIAPH1-related conditions. An algorithm developed to predict the effect of missense changes on protein structure and function (PolyPhen-2) suggests that this variant is likely to be disruptive. In summary, the available evidence is currently insufficient to determine the role of this variant in disease. Therefore, it has been classified as a Variant of Uncertain Significance.